The following is an entry in ClinVar:

ClinVar aggregate classification (germline): Uncertain significance (1 of 4 stars; one submission).

Submission:

Labcorp Genetics (formerly Invitae), Labcorp
Classification: Uncertain significance. Last evaluated: 2021-04-16. Review status: criteria provided, single submitter. Criteria: Invitae Variant Classification Sherloc (09022015). Collection method: clinical testing. Allele origin: germline.
Comment: This sequence change replaces serine with arginine at codon 1208 of the POLE protein (p.Ser1208Arg). The serine residue is weakly conserved and there is a moderate physicochemical difference between serine and arginine. This variant is not present in population databases (ExAC no frequency). This variant has not been reported in the literature in individuals with POLE-related conditions. Algorithms developed to predict the effect of missense changes on protein structure and function (SIFT, PolyPhen-2, Align-GVGD) all suggest that this variant is likely to be tolerated, but these predictions have not been confirmed by published functional studies and their clinical significance is uncertain. In summary, the available evidence is currently insufficient to determine the role of this variant in disease. Therefore, it has been classified as a Variant of Uncertain Significance.

NM_006231.4(POLE):c.3624T>A (p.Ser1208Arg)

Gene: POLE (DNA polymerase epsilon, catalytic subunit; minus strand). Cytogenetic location: 12q24.33.
Variant type: single nucleotide variant.
Coding change: c.3624T>A on transcript NM_006231.4 (MANE Select); coding-DNA position 3624, T replaced by A.
Protein change: p.Ser1208Arg; replaces serine 1208 with arginine.
Molecular consequence: missense variant.
Genome position (GRCh38, 1-based): chr12:132,649,848, A>T on the plus strand (T>A on the coding strand, the complement: POLE is on the minus strand). VCF-style: chr12-132649848-A-T. GRCh37 (hg19) VCF-style: chr12-133226434-A-T.
Other names: short protein forms S1208R.
Identifiers: ClinVar variation 1476442 (VCV001476442.8), dbSNP rs2138615092, ClinGen allele CA387386937.
Genomic context (GRCh38, chr12:132,649,848, plus strand): 5'-AGTGACAGGGGCTGCTGGGTGAGGCAGCTTTACGAGGCCGAAGTCCTCCATGTCAGGAGC[A>T]CTTGGCCTCGGACTGTCTTCTGAGGCCTCGGCCATCGTGACCTGGAAAGACCCAGTGAAG-3'
Protein context (NP_006222.2, residues 1198-1218): AEASEDSPRP[Ser1208Arg]APDMEDFGLV